The following is an entry in ClinVar:

ClinVar aggregate classification (germline): Conflicting classifications of pathogenicity. Review status: criteria provided, conflicting classifications (1 of 4 stars). 2 submissions from 2 submitters: Uncertain significance (1); Likely benign (1). Last evaluated 2024-11-15.

Conditions:
Inborn genetic diseases. Identifiers: MedGen C0950123, MeSH D030342.

Allele frequency attached by ClinVar (database versions not stated): ExAC 0.00003; TOPMed 0.00007; gnomAD 0.00009; ESP Exome Variant Server 0.00023.
gnomAD v4.1: 267 of 1,613,910 alleles (0.017%); highest among the groups gnomAD compares: Non-Finnish European, 0.022%; no homozygotes.

Submissions (2):

Labcorp Genetics (formerly Invitae), Labcorp
Classification: Uncertain significance. Last evaluated: 2024-11-15. Review status: criteria provided, single submitter. Criteria: Invitae Variant Classification Sherloc (09022015). Collection method: clinical testing. Allele origin: germline.
Comment: This sequence change replaces valine, which is neutral and non-polar, with isoleucine, which is neutral and non-polar, at codon 2274 of the TRRAP protein (p.Val2274Ile). This variant is present in population databases (rs377710008, gnomAD 0.006%). This variant has not been reported in the literature in individuals affected with TRRAP-related conditions. ClinVar contains an entry for this variant (Variation ID: 2077555). Invitae Evidence Modeling of protein sequence and biophysical properties (such as structural, functional, and spatial information, amino acid conservation, physicochemical variation, residue mobility, and thermodynamic stability) indicates that this missense variant is not expected to disrupt TRRAP protein function with a negative predictive value of 80%. In summary, the available evidence is currently insufficient to determine the role of this variant in disease. Therefore, it has been classified as a Variant of Uncertain Significance.

Ambry Genetics
Classification: Likely benign for Inborn genetic diseases. Last evaluated: 2023-11-21. Review status: criteria provided, single submitter. Criteria: Ambry Variant Classification Scheme 2023. Collection method: clinical testing. Allele origin: germline.

NM_001375524.1(TRRAP):c.6895G>A (p.Val2299Ile)

Gene: TRRAP (transformation/transcription domain associated protein; plus strand). Cytogenetic location: 7q22.1.
Variant type: single nucleotide variant.
Coding change: c.6895G>A on transcript NM_001375524.1 (MANE Select); coding-DNA position 6895, G replaced by A.
Protein change: p.Val2299Ile; replaces valine 2299 with isoleucine.
Molecular consequence: missense variant.
Genome position (GRCh38, 1-based): chr7:98,964,694, G>A. VCF-style: chr7-98964694-G-A. GRCh37 (hg19) VCF-style: chr7-98562317-G-A.
Other names: c.6874G>A, p.Val2292Ile (NM_001244580.2); c.6820G>A, p.Val2274Ile (NM_003496.4); c.6874G>A (NM_001244580.1); short protein forms V2292I, V2299I, V2274I.
Identifiers: ClinVar variation 2077555 (VCV002077555.5), dbSNP rs377710008, ClinGen allele CA4361000.